The following is an entry in ClinVar:

ClinVar aggregate classification (germline): Conflicting classifications of pathogenicity. Review status: criteria provided, conflicting classifications (1 of 4 stars). 3 submissions from 3 submitters: Uncertain significance (2); Benign (1). Last evaluated 2025-12-15.

Conditions:
Inborn genetic diseases. Identifiers: MedGen C0950123, MeSH D030342.
RAI1-related disorder. Also called: RAI1-related condition.

gnomAD v4.1: 1 of 1,590,364 alleles (0.000063%); no homozygotes.

Submissions (3):

PreventionGenetics, part of Exact Sciences
Classification: Uncertain significance for RAI1-related condition. Last evaluated: 2025-12-15. Review status: criteria provided, single submitter. Criteria: ACMG Guidelines, 2015. Collection method: clinical testing. Allele origin: germline.
Comment: The RAI1 c.2486C>A variant is predicted to result in the amino acid substitution p.Pro829His. To our knowledge, this variant has not been reported in the literature or in a large population database (gnomAD), indicating this variant is rare. At this time, the clinical significance of this variant is uncertain due to the absence of conclusive functional and genetic evidence.

Labcorp Genetics (formerly Invitae), Labcorp
Classification: Benign. Last evaluated: 2024-11-27. Review status: criteria provided, single submitter. Criteria: Invitae Variant Classification Sherloc (09022015). Collection method: clinical testing. Allele origin: germline.

Ambry Genetics
Classification: Uncertain significance for Inborn genetic diseases. Last evaluated: 2024-04-17. Review status: criteria provided, single submitter. Criteria: Ambry Variant Classification Scheme 2023. Collection method: clinical testing. Allele origin: germline.

NM_030665.4(RAI1):c.2486C>A (p.Pro829His)

Gene: RAI1 (retinoic acid induced 1; plus strand). Cytogenetic location: 17p11.2.
Variant type: single nucleotide variant.
Coding change: c.2486C>A on transcript NM_030665.4 (MANE Select); coding-DNA position 2486, C replaced by A.
Protein change: p.Pro829His; replaces proline 829 with histidine.
Molecular consequence: missense variant.
Genome position (GRCh38, 1-based): chr17:17,795,434, C>A. VCF-style: chr17-17795434-C-A. GRCh37 (hg19) VCF-style: chr17-17698748-C-A.
Other names: short protein forms P829H.
Identifiers: ClinVar variation 3312560 (VCV003312560.4).